The following is an entry in ClinVar:

NM_000419.5(ITGA2B):c.1353C>T (p.Ser451=)

Gene: ITGA2B (integrin subunit alpha 2b; minus strand). Cytogenetic location: 17q21.31.
Variant type: single nucleotide variant.
Coding change: c.1353C>T on transcript NM_000419.5 (MANE Select); coding-DNA position 1353, C replaced by T.
Protein change: p.Ser451=; no amino-acid change (serine 451 retained).
Molecular consequence: synonymous variant.
Genome position (GRCh38, 1-based): chr17:44,380,919, G>A on the plus strand (C>T on the coding strand, the complement: ITGA2B is on the minus strand). VCF-style: chr17-44380919-G-A. GRCh37 (hg19) VCF-style: chr17-42458287-G-A.
Identifiers: ClinVar variation 2715050 (VCV002715050.4), dbSNP rs762316789, ClinGen allele CA8603167.

ClinVar aggregate classification (germline): Conflicting classifications of pathogenicity. Review status: criteria provided, conflicting classifications (1 of 4 stars). 2 submissions from 2 submitters: Uncertain significance (1); Likely benign (1). Last evaluated 2025-02-15.

Conditions:
Glanzmann thrombasthenia. Also called: Thrombasthenia; THROMBASTHENIA OF GLANZMANN AND NAEGELI; Glanzmann's thrombasthenia; PLATELET GLYCOPROTEIN IIb-IIIa DEFICIENCY. Identifiers: Orphanet 849, MedGen C0040015, MONDO:0100326.

Allele frequency attached by ClinVar (database versions not stated): gnomAD 0.00001; TOPMed 0.00003.
gnomAD v4.1: 124 of 1,614,150 alleles (0.0077%); highest among the groups gnomAD compares: Non-Finnish European, 0.0091%; no homozygotes.

Submissions (2):

Labcorp Genetics (formerly Invitae), Labcorp
Classification: Uncertain significance for Glanzmann thrombasthenia. Last evaluated: 2025-02-15. Review status: criteria provided, single submitter. Criteria: Invitae Variant Classification Sherloc (09022015). Collection method: clinical testing. Allele origin: germline.
Comment: This sequence change affects codon 451 of the ITGA2B mRNA. It is a 'silent' change, meaning that it does not change the encoded amino acid sequence of the ITGA2B protein. This variant is present in population databases (rs762316789, gnomAD 0.005%). This variant has not been reported in the literature in individuals affected with ITGA2B-related conditions. ClinVar contains an entry for this variant (Variation ID: 2715050). Algorithms developed to predict the effect of sequence changes on RNA splicing suggest that this variant may create or strengthen a splice site. In summary, the available evidence is currently insufficient to determine the role of this variant in disease. Therefore, it has been classified as a Variant of Uncertain Significance.

Blueprint Genetics
Classification: Likely benign. Last evaluated: 2023-08-04. Review status: criteria provided, single submitter. Criteria: ACMG Guidelines, 2015. Collection method: clinical testing. Allele origin: germline.